The following is an entry in ClinVar:

ClinVar aggregate classification (germline): Pathogenic (1 of 4 stars; one submission).

Submission:

Labcorp Genetics (formerly Invitae), Labcorp
Classification: Pathogenic. Last evaluated: 2023-06-14. Review status: criteria provided, single submitter. Criteria: Invitae Variant Classification Sherloc (09022015). Collection method: clinical testing. Allele origin: unknown.
Comment: For these reasons, this variant has been classified as Pathogenic. This variant disrupts a region of the USH2A protein in which other variant(s) (p.Gly2313Cys) have been determined to be pathogenic (PMID: 26306921, 27032803; Invitae). This suggests that this is a clinically significant region of the protein, and that variants that disrupt it are likely to be disease-causing. This variant has not been reported in the literature in individuals affected with USH2A-related conditions. This variant is a gross deletion of the genomic region encompassing exon(s) 30-37 of the USH2A gene. This variant would be expected to be in-frame, preserving the integrity of the reading frame.

Literature cited by the submitters: PubMed 26306921; PubMed 27032803.

NC_000001.10:g.(?_216138639)_(216243654_?)del

Gene: USH2A (usherin; minus strand). Cytogenetic location: 1q41.
Variant type: Deletion.
Identifiers: ClinVar variation 3248058 (VCV003248058.1).